The following is an entry in ClinVar:

NM_014159.7(SETD2):c.1706T>G (p.Phe569Cys)

Gene: SETD2 (SET domain containing 2, histone lysine methyltransferase; minus strand). Cytogenetic location: 3p21.31.
Variant type: single nucleotide variant.
Coding change: c.1706T>G on transcript NM_014159.7 (MANE Select); coding-DNA position 1706, T replaced by G.
Protein change: p.Phe569Cys; replaces phenylalanine 569 with cysteine.
Molecular consequence: missense variant. On other transcripts: non-coding transcript variant (1).
Genome position (GRCh38, 1-based): chr3:47,122,930, A>C on the plus strand (T>G on the coding strand, the complement: SETD2 is on the minus strand). VCF-style: chr3-47122930-A-C. GRCh37 (hg19) VCF-style: chr3-47164420-A-C.
Other names: c.1574T>G, p.Phe525Cys (NM_001349370.3); short protein forms F525C, F569C.
Identifiers: ClinVar variation 840884 (VCV000840884.5), dbSNP rs781658728, ClinGen allele CA2363641.
Genomic context (GRCh38, chr3:47,122,930, plus strand): 5'-CTAAAAGAATGAGACTGTTTGATTTCTTCATTTAATTCTGTACAACAGAAAGAATTTTTA[A>C]ATTTATCAGACTTGGGTATAGGTTTTGAAAGGGTAGATTTATAACGGGAAGCACTACTGT-3'
Protein context (NP_054878.5, residues 559-579): LSKPIPKSDK[Phe569Cys]KNSFCCTELN

ClinVar aggregate classification (germline): Uncertain significance (1 of 4 stars; one submission).

Conditions:
Luscan-Lumish syndrome. Identifiers: Orphanet 597738, MedGen C4085873, MONDO:0014791, OMIM 616831.

Allele frequency attached by ClinVar (database versions not stated): ExAC 0.00002; TOPMed 0.00006; gnomAD exomes 0.00001 and 0.00002; gnomAD 0.00004.
gnomAD v4.1: 17 of 1,610,518 alleles (0.0011%); highest among the groups gnomAD compares: African/African-American, 0.013%; no homozygotes.

Submission:

Labcorp Genetics (formerly Invitae), Labcorp
Classification: Uncertain significance for Luscan-Lumish syndrome. Last evaluated: 2023-01-28. Review status: criteria provided, single submitter. Criteria: Invitae Variant Classification Sherloc (09022015). Collection method: clinical testing. Allele origin: germline.
Comment: In summary, the available evidence is currently insufficient to determine the role of this variant in disease. Therefore, it has been classified as a Variant of Uncertain Significance. Advanced modeling of protein sequence and biophysical properties (such as structural, functional, and spatial information, amino acid conservation, physicochemical variation, residue mobility, and thermodynamic stability) performed at Invitae indicates that this missense variant is not expected to disrupt SETD2 protein function. ClinVar contains an entry for this variant (Variation ID: 840884). This variant has not been reported in the literature in individuals affected with SETD2-related conditions. This variant is present in population databases (rs781658728, gnomAD 0.02%). This sequence change replaces phenylalanine, which is neutral and non-polar, with cysteine, which is neutral and slightly polar, at codon 569 of the SETD2 protein (p.Phe569Cys).